The following is an entry in ClinVar:

ClinVar aggregate classification (germline): Uncertain significance (1 of 4 stars; one submission).

Conditions:
Inborn genetic diseases. Identifiers: MedGen C0950123, MeSH D030342.

gnomAD v4.1: 1 of 1,613,962 alleles (0.000062%); highest among the groups gnomAD compares: Non-Finnish European, 0.000085%; no homozygotes.

Submission:

Ambry Genetics
Classification: Uncertain significance for Inborn genetic diseases. Last evaluated: 2024-11-26. Review status: criteria provided, single submitter. Criteria: Ambry Variant Classification Scheme 2023. Collection method: clinical testing. Allele origin: germline.
Comment: The p.V299M variant (also known as c.895G>A), located in coding exon 9 of the ANKRD26 gene, results from a G to A substitution at nucleotide position 895. The valine at codon 299 is replaced by methionine, an amino acid with highly similar properties. This amino acid position is conserved. In addition, this alteration is predicted to be tolerated by in silico analysis. Based on the available evidence, the clinical significance of this variant remains unclear.

NM_014915.3(ANKRD26):c.895G>A (p.Val299Met)

Gene: ANKRD26 (ankyrin repeat domain containing 26; minus strand). Cytogenetic location: 10p12.1.
Variant type: single nucleotide variant.
Coding change: c.895G>A on transcript NM_014915.3 (MANE Select); coding-DNA position 895, G replaced by A.
Protein change: p.Val299Met; replaces valine 299 with methionine.
Molecular consequence: missense variant.
Genome position (GRCh38, 1-based): chr10:27,077,520, C>T on the plus strand (G>A on the coding strand, the complement: ANKRD26 is on the minus strand). VCF-style: chr10-27077520-C-T. GRCh37 (hg19) VCF-style: chr10-27366449-C-T.
Other names: c.895G>A, p.Val299Met (NM_001256053.2); short protein forms V299M.
Identifiers: ClinVar variation 3396786 (VCV003396786.1).